The following is an entry in ClinVar:

ClinVar aggregate classification (germline): Uncertain significance (1 of 4 stars; one submission).

Conditions:
Fanconi anemia (FA). Also called: Fanconi's anemia. Identifiers: Orphanet 84, MedGen C0015625, MeSH D005199, MONDO:0019391.

Allele frequency attached by ClinVar (database versions not stated): ExAC 0.00005.
gnomAD v4.1: 3 of 1,551,392 alleles (0.00019%); highest among the groups gnomAD compares: South Asian, 0.0024%; no homozygotes.

Submission:

Labcorp Genetics (formerly Invitae), Labcorp
Classification: Uncertain significance for Fanconi anemia. Last evaluated: 2022-08-03. Review status: criteria provided, single submitter. Criteria: Invitae Variant Classification Sherloc (09022015). Collection method: clinical testing. Allele origin: germline.
Comment: This sequence change replaces leucine, which is neutral and non-polar, with phenylalanine, which is neutral and non-polar, at codon 1319 of the FANCA protein (p.Leu1319Phe). This variant is present in population databases (rs751323746, gnomAD 0.004%). This missense change has been observed in individual(s) with clinical features of Fanconi anemia (Invitae). In at least one individual the data is consistent with being in trans (on the opposite chromosome) from a pathogenic variant. Algorithms developed to predict the effect of missense changes on protein structure and function are either unavailable or do not agree on the potential impact of this missense change (SIFT: "Tolerated"; PolyPhen-2: "Possibly Damaging"; Align-GVGD: "Class C0"). In summary, the available evidence is currently insufficient to determine the role of this variant in disease. Therefore, it has been classified as a Variant of Uncertain Significance.

NM_000135.4(FANCA):c.3955C>T (p.Leu1319Phe)

Genes: FANCA (FA complementation group A; minus strand), ZNF276 (zinc finger protein 276; plus strand). Cytogenetic location: 16q24.3.
Variant type: single nucleotide variant.
Coding change: c.3955C>T on transcript NM_000135.4 (MANE Select); coding-DNA position 3955, C replaced by T.
Protein change: p.Leu1319Phe; replaces leucine 1319 with phenylalanine.
Molecular consequence: missense variant. On other transcripts: 3 prime UTR variant (2), non-coding transcript variant (4).
Genome position (GRCh38, 1-based): chr16:89,739,533, G>A on the plus strand (C>T on the coding strand, the complement: FANCA is on the minus strand). VCF-style: chr16-89739533-G-A. GRCh37 (hg19) VCF-style: chr16-89805941-G-A.
Other names: c.3955C>T, p.Leu1319Phe (NM_001286167.3); c.*1287G>A (NM_001113525.2, NM_152287.4); short protein forms L1319F.
Identifiers: ClinVar variation 2135580 (VCV002135580.1), dbSNP rs751323746, ClinGen allele CA8250850.